The following is an entry in ClinVar:

NM_001267550.2(TTN):c.40940del (p.Lys13647fs)

Gene: TTN (titin; minus strand). Cytogenetic location: 2q31.2.
Variant type: Deletion.
Coding change: c.40940del on transcript NM_001267550.2 (MANE Select); coding-DNA position 40940, one base deleted (A; older notation c.40940delA).
Protein change: p.Lys13647fs; shifts the reading frame from lysine 13647.
Molecular consequence: frameshift variant.
Genome position (GRCh38, 1-based): chr2:178,636,787, T deleted on the plus strand (A on the coding strand, the reverse complement: TTN is on the minus strand); the first of 5 consecutive T bases (chr2:178,636,787-178,636,791); deleting any one gives the same sequence. VCF-style (leftmost placement, unchanged base first): chr2-178636786-CT-C. GRCh37 (hg19) VCF-style: chr2-179501513-CT-C.
Other names: c.36017del, p.Lys12006fs (NM_001256850.1); c.13745del, p.Lys4582fs (NM_003319.4); c.33236del, p.Lys11079fs (NM_133378.4); c.14120del, p.Lys4707fs (NM_133432.3); c.14321del, p.Lys4774fs (NM_133437.4); short protein forms K12006fs, K4774fs, K11079fs, K4582fs, K13647fs, K4707fs.
Identifiers: ClinVar variation 1361787 (VCV001361787.8), dbSNP rs2154231664, ClinGen allele CA2573133861.
Genomic context (GRCh38, chr2:178,636,786, plus strand): 5'-TTTCTCTCCACCACTTCCTGGCCTTAACTTTCTCCTTTCGGCTTCTATTGGTGAAGGAGT[CT>C]TTTTGGGTACACCTAATTCAAAGTAAAATAAAAAGTTGATTTGGCATCTCCTTAGGAGTC-3'

ClinVar aggregate classification (germline): Likely pathogenic (1 of 4 stars; one submission).

Conditions:
Dilated cardiomyopathy 1G (CMD1G). Identifiers: Orphanet 154, MedGen C1858763, MONDO:0011400, OMIM 604145.
Autosomal recessive limb-girdle muscular dystrophy type 2J (LGMDR10). Also called: Limb-girdle muscular dystrophy, type 2J; MUSCULAR DYSTROPHY, LIMB-GIRDLE, AUTOSOMAL RECESSIVE 10. Identifiers: Orphanet 140922, MedGen C1837342, MONDO:0012127, OMIM 608807.

Submission:

Labcorp Genetics (formerly Invitae), Labcorp
Classification: Likely pathogenic for Dilated cardiomyopathy 1G; Autosomal recessive limb-girdle muscular dystrophy type 2J. Last evaluated: 2024-10-18. Review status: criteria provided, single submitter. Criteria: Invitae Variant Classification Sherloc (09022015). Collection method: clinical testing. Allele origin: germline.
Comment: This sequence change creates a premature translational stop signal (p.Lys13647Argfs*6) in the TTN gene. While this is not anticipated to result in nonsense mediated decay, it is expected to create a truncated TTN protein. This variant is not present in population databases (gnomAD no frequency). This variant has not been reported in the literature in individuals affected with TTN-related conditions. ClinVar contains an entry for this variant (Variation ID: 1361787). This variant is located in the I band of TTN (PMID: 25589632). Truncating variants in this region have been reported in individuals affected with autosomal recessive centronuclear myopathy (PMID: 23975875, internal data). Truncating variants in this region have also been identified in individuals affected with autosomal dominant dilated cardiomyopathy and/or cardio-related conditions (PMID: 27869827, 32964742, internal data). In summary, the currently available evidence indicates that the variant is pathogenic, but additional data are needed to prove that conclusively. Therefore, this variant has been classified as Likely Pathogenic.

Literature cited by the submitters: PubMed 25589632; PubMed 23975875; PubMed 27869827; PubMed 32964742.